The following is an entry in ClinVar:

ClinVar aggregate classification (germline): Uncertain significance. Review status: criteria provided, multiple submitters, no conflicts (2 of 4 stars). 2 submissions from 2 submitters: Uncertain significance (2). Last evaluated 2024-06-13.

Conditions:
Inborn genetic diseases. Identifiers: MedGen C0950123, MeSH D030342.

Submissions (2):

GeneDx
Classification: Uncertain significance. Last evaluated: 2024-06-13. Review status: criteria provided, single submitter. Criteria: GeneDx Variant Classification Process June 2021. Collection method: clinical testing. Allele origin: germline. Affected: yes.
Comment: Not observed at significant frequency in large population cohorts (gnomAD); In silico analysis supports that this missense variant has a deleterious effect on protein structure/function; Has not been previously published as pathogenic or benign to our knowledge

Ambry Genetics
Classification: Uncertain significance for Inborn genetic diseases. Last evaluated: 2021-11-17. Review status: criteria provided, single submitter. Criteria: Ambry Variant Classification Scheme 2023. Collection method: clinical testing. Allele origin: germline.
Comment: The c.169C>T (p.R57W) alteration is located in exon 4 (coding exon 2) of the KDM4B gene. This alteration results from a C to T substitution at nucleotide position 169, causing the arginine (R) at amino acid position 57 to be replaced by a tryptophan (W). The KDM4B c.169C>T alteration was flagged as a low confidence call in the Genome Aggregation Database (gnomAD). This amino acid position is highly conserved in available vertebrate species. This missense alteration is located in a region that has a low rate of benign missense variation (Lek, 2016; Firth, 2009). The in silico prediction for this alteration is inconclusive. Based on insufficient or conflicting evidence, the clinical significance of this alteration remains unclear.

NM_015015.3(KDM4B):c.169C>T (p.Arg57Trp)

Gene: KDM4B (lysine demethylase 4B; plus strand). Cytogenetic location: 19p13.3.
Variant type: single nucleotide variant.
Coding change: c.169C>T on transcript NM_015015.3 (MANE Select); coding-DNA position 169, C replaced by T.
Protein change: p.Arg57Trp; replaces arginine 57 with tryptophan.
Molecular consequence: missense variant.
Genome position (GRCh38, 1-based): chr19:5,039,863, C>T. VCF-style: chr19-5039863-C-T. GRCh37 (hg19) VCF-style: chr19-5039874-C-T.
Other names: c.169C>T, p.Arg57Trp (NM_001370093.1, NM_001370094.1, NM_001411148.1); short protein forms R57W.
Identifiers: ClinVar variation 3113796 (VCV003113796.2), dbSNP rs1599476531, ClinGen allele CA403489672.